The following is an entry in ClinVar:

NM_004006.3(DMD):c.8549C>A (p.Ala2850Asp)

Gene: DMD (dystrophin; minus strand). Cytogenetic location: Xp21.2.
Variant type: single nucleotide variant.
Coding change: c.8549C>A on transcript NM_004006.3 (MANE Select); coding-DNA position 8549, C replaced by A.
Protein change: p.Ala2850Asp; replaces alanine 2850 with aspartic acid.
Molecular consequence: missense variant.
Genome position (GRCh38, 1-based): chrX:31,479,102, G>T on the plus strand (C>A on the coding strand, the complement: DMD is on the minus strand). VCF-style: chrX-31479102-G-T. GRCh37 (hg19) VCF-style: chrX-31497219-G-T.
Other names: c.8525C>A, p.Ala2842Asp (NM_000109.4); c.8537C>A, p.Ala2846Asp (NM_004009.3); c.8180C>A, p.Ala2727Asp (NM_004010.3); c.4526C>A, p.Ala1509Asp (NM_004011.4); c.4517C>A, p.Ala1506Asp (NM_004012.4); c.1169C>A, p.Ala390Asp (NM_004013.3, NM_004020.4, NM_004021.3 and 2 more transcripts); c.362C>A, p.Ala121Asp (NM_004014.3); short protein forms A1509D, A2727D, A1506D, A2850D, A390D, A2842D, A2846D, A121D.
Identifiers: ClinVar variation 835206 (VCV000835206.10), dbSNP rs2068042264, ClinGen allele CA412654692.

ClinVar aggregate classification (germline): Uncertain significance (1 of 4 stars; one submission).

Conditions:
Duchenne muscular dystrophy (DMD). Also called: Duchenne Muscular Dystrophy (DMD); MUSCULAR DYSTROPHY, PSEUDOHYPERTROPHIC PROGRESSIVE, DUCHENNE TYPE. Identifiers: Orphanet 98896, MedGen C0013264, MONDO:0010679, OMIM 310200.

gnomAD v4.1: 2 of 1,210,428 alleles (0.00017%); highest among the groups gnomAD compares: Non-Finnish European, 0.00022%; no homozygotes.

Submission:

Labcorp Genetics (formerly Invitae), Labcorp
Classification: Uncertain significance for Duchenne muscular dystrophy. Last evaluated: 2019-03-25. Review status: criteria provided, single submitter. Criteria: Invitae Variant Classification Sherloc (09022015). Collection method: clinical testing. Allele origin: germline.
Comment: In summary, the available evidence is currently insufficient to determine the role of this variant in disease. Therefore, it has been classified as a Variant of Uncertain Significance. Algorithms developed to predict the effect of missense changes on protein structure and function are either unavailable or do not agree on the potential impact of this missense change (SIFT: "Deleterious"; PolyPhen-2: "Possibly Damaging"; Align-GVGD: "Class C15"). This variant has not been reported in the literature in individuals with DMD-related conditions. This variant is not present in population databases (ExAC no frequency). This sequence change replaces alanine with aspartic acid at codon 2850 of the DMD protein (p.Ala2850Asp). The alanine residue is highly conserved and there is a moderate physicochemical difference between alanine and aspartic acid.